The following is an entry in ClinVar:

NM_001458.5(FLNC):c.2449A>G (p.Ile817Val)

Gene: FLNC (filamin C; plus strand). Cytogenetic location: 7q32.1.
Variant type: single nucleotide variant.
Coding change: c.2449A>G on transcript NM_001458.5 (MANE Select); coding-DNA position 2449, A replaced by G.
Protein change: p.Ile817Val; replaces isoleucine 817 with valine.
Molecular consequence: missense variant.
Genome position (GRCh38, 1-based): chr7:128,842,853, A>G. VCF-style: chr7-128842853-A-G. GRCh37 (hg19) VCF-style: chr7-128482907-A-G.
Other names: c.2449A>G, p.Ile817Val (NM_001127487.2); short protein forms I817V.
Identifiers: ClinVar variation 3516035 (VCV003516035.4).

ClinVar aggregate classification (germline): Uncertain significance. Review status: criteria provided, multiple submitters, no conflicts (2 of 4 stars). 2 submissions from 2 submitters: Uncertain significance (2). Last evaluated 2025-02-04.

Conditions:
Distal myopathy with posterior leg and anterior hand involvement. Also called: WILLIAMS DISTAL MYOPATHY. Identifiers: Orphanet 63273, MedGen C3279722, MONDO:0013550, OMIM 614065.
Hypertrophic cardiomyopathy 26. Also called: Cardiomyopathy, familial hypertrophic, 26. Identifiers: Orphanet 75249, MedGen C4310749, MONDO:0014883, OMIM 617047.
Myofibrillar myopathy 5. Also called: Filaminopathy (type); FILAMINOPATHY, AUTOSOMAL DOMINANT. Identifiers: Orphanet 171445, MedGen C1836050, MONDO:0012289, OMIM 609524.
Cardiovascular phenotype. Identifiers: MedGen CN230736.

gnomAD v4.1: 4 of 1,613,892 alleles (0.00025%); highest among the groups gnomAD compares: Non-Finnish European, 0.00034%; no homozygotes.

Submissions (2):

Ambry Genetics
Classification: Uncertain significance for Cardiovascular phenotype. Last evaluated: 2025-02-04. Review status: criteria provided, single submitter. Criteria: Ambry Variant Classification Scheme 2023. Collection method: clinical testing. Allele origin: germline.
Comment: The p.I817V variant (also known as c.2449A>G), located in coding exon 16 of the FLNC gene, results from an A to G substitution at nucleotide position 2449. The isoleucine at codon 817 is replaced by valine, an amino acid with highly similar properties. This amino acid position is conserved. In addition, the in silico prediction for this alteration is inconclusive. Based on the available evidence, the clinical significance of this variant remains unclear.

Labcorp Genetics (formerly Invitae), Labcorp
Classification: Uncertain significance for Distal myopathy with posterior leg and anterior hand involvement; Myofibrillar myopathy 5; Hypertrophic cardiomyopathy 26. Last evaluated: 2025-01-01. Review status: criteria provided, single submitter. Criteria: Invitae Variant Classification Sherloc (09022015). Collection method: clinical testing. Allele origin: germline.
Comment: This sequence change replaces isoleucine, which is neutral and non-polar, with valine, which is neutral and non-polar, at codon 817 of the FLNC protein (p.Ile817Val). This variant is present in population databases (no rsID available, gnomAD 0.0009%). This variant has not been reported in the literature in individuals affected with FLNC-related conditions. Invitae Evidence Modeling of protein sequence and biophysical properties (such as structural, functional, and spatial information, amino acid conservation, physicochemical variation, residue mobility, and thermodynamic stability) has been performed for this missense variant. However, the output from this modeling did not meet the statistical confidence thresholds required to predict the impact of this variant on FLNC protein function. In summary, the available evidence is currently insufficient to determine the role of this variant in disease. Therefore, it has been classified as a Variant of Uncertain Significance.